The following is an entry in ClinVar:

ClinVar aggregate classification (germline): Uncertain significance. Review status: criteria provided, multiple submitters, no conflicts (2 of 4 stars). 4 submissions from 4 submitters: Uncertain significance (2). 2 of the submissions do not count toward it. Last evaluated 2024-03-28.

Conditions:
Polycystic kidney disease, adult type (PKD1). Also called: POLYCYSTIC KIDNEY DISEASE, ADULT, TYPE I; Polycystic Kidney Disease 1, Autosomal Dominant; Polycystic kidney disease 1; Polycystic kidney disease 1, severe; Polycystic Kidney, Autosomal Dominant; POLYCYSTIC KIDNEY DISEASE 1 WITH OR WITHOUT POLYCYSTIC LIVER DISEASE. Identifiers: MedGen C3149841, MONDO:0008263, OMIM 173900.
Polycystic kidney disease. Also called: Polycystic kidney dysplasia; Kidney, Polycystic. Identifiers: MedGen C0022680, MeSH D007690, MONDO:0020642, HP:0000113.
PKD1-related disorder. Also called: PKD1-related condition.

Allele frequency attached by ClinVar (database versions not stated): ExAC below 0.00001; TOPMed below 0.00001; gnomAD 0.00001; gnomAD exomes 0.00003; ESP Exome Variant Server 0.00016.
gnomAD v4.1: 47 of 1,588,418 alleles (0.003%); highest among the groups gnomAD compares: Middle Eastern, 0.023%; no homozygotes.

Submissions (4):

Fulgent Genetics
Classification: Uncertain significance for Polycystic kidney disease, adult type. Last evaluated: 2024-03-28. Review status: criteria provided, single submitter. Criteria: ACMG Guidelines, 2015. Collection method: clinical testing. Allele origin: germline.

Baylor Genetics
Classification: Uncertain significance for Polycystic kidney disease, adult type. Last evaluated: 2018-01-02. Review status: criteria provided, single submitter. Criteria: ACMG Guidelines, 2015. Collection method: clinical testing. Allele origin: unknown. Affected: yes.
Comment: This variant was determined to be of uncertain significance according to ACMG Guidelines, 2015 [PMID:25741868].

PreventionGenetics, part of Exact Sciences
Classification: Likely benign for PKD1-related condition. Last evaluated: 2019-08-01. Review status: no assertion criteria provided. Collection method: clinical testing. Allele origin: germline. Not counted in ClinVar's aggregate classification.
Comment: This variant is classified as likely benign based on ACMG/AMP sequence variant interpretation guidelines (Richards et al. 2015 PMID: 25741868, with internal and published modifications).

Department of Pathology and Laboratory Medicine, Sinai Health System
Classification: Likely benign for Polycystic Kidney disease. Review status: no assertion criteria provided. Collection method: clinical testing. Allele origin: unknown. Affected: yes. Study: The Canadian Open Genetics Repository (COGR). Not counted in ClinVar's aggregate classification.
Comment: The PKD1 p.Cys2683= variant was not identified in the literature nor was it identified in the ClinVar, LOVD 3.0, ADPKD Mutation Database, or PKD1-LOVD databases. The variant was identified in dbSNP (ID: rs377029031) as â€šÃ„ÃºNAâ€šÃ„Ã¹. The variant was also identified in control databases in 2 of 144348 chromosomes at a frequency of 0.00002 (Genome Aggregation Database Feb 27, 2017), observed in the following populations: Other in 1 of 3808 chromosomes (freq: 0.0003), and European Non-Finnish in 1 of 56588 chromosomes (freq: 0.00002), while not observed in the African, Latino, Ashkenazi Jewish, East Asian, European Finnish, and South Asian populations. In addition we cannot be certain that data from control databases is specific to PKD1 and not from one of the six PKD1 pseudogenes. The p.Cys2683= variant is not expected to have clinical significance because it does not result in a change of amino acid and is not located in a known consensus splice site. In addition, in silico or computational prediction software programs (SpliceSiteFinder, MaxEntScan, NNSPLICE, GeneSplicer) do not predict a difference in splicing. In summary, based on the above information the clinical significance of this variant cannot be determined with certainty at this time although we would lean towards a more benign role for this variant. This variant is classified as likely benign.

NM_001009944.3(PKD1):c.8049C>T (p.Cys2683=)

Gene: PKD1 (polycystin 1, transient receptor potential channel interacting; minus strand). Cytogenetic location: 16p13.3.
Variant type: single nucleotide variant.
Coding change: c.8049C>T on transcript NM_001009944.3 (MANE Select); coding-DNA position 8049, C replaced by T.
Protein change: p.Cys2683=; no amino-acid change (cysteine 2683 retained).
Molecular consequence: synonymous variant.
Genome position (GRCh38, 1-based): chr16:2,104,610, G>A on the plus strand (C>T on the coding strand, the complement: PKD1 is on the minus strand). VCF-style: chr16-2104610-G-A. GRCh37 (hg19) VCF-style: chr16-2154611-G-A.
Other names: c.8049C>T, p.Cys2683= (NM_000296.4).
Identifiers: ClinVar variation 997204 (VCV000997204.6), dbSNP rs377029031, ClinGen allele CA7830737.
Genomic context (GRCh38, chr16:2,104,610, plus strand): 5'-GGTGGTCTCTGCCTGCAGGATGAGCATCATGGCCTCCAGCTTGTGCAGCGTCTGCTTCAG[G>A]CACGAGCGGCATACGAGCTCCCTGCTGGGCCCCTGTGTGGAGCCAGCAGTGTCCAGCCCC-3'
Protein context (NP_001009944.3, residues 2673-2693): GPSRELVCRS[Cys2683=]LKQTLHKLEA